The following is an entry in ClinVar:

ClinVar aggregate classification (germline): Uncertain significance. Review status: criteria provided, multiple submitters, no conflicts (2 of 4 stars). 3 submissions from 3 submitters: Uncertain significance (3). Last evaluated 2026-02-01.

Conditions:
Welander distal myopathy (WDM). Also called: Welander distal myopathy, Swedish type; Distal myopathy, Swedish type; Gower's muscular dystrophy; MUSCULAR DYSTROPHY, DISTAL, LATE-ONSET, AUTOSOMAL DOMINANT. Identifiers: Orphanet 603, MedGen C0221054, MONDO:0011466, OMIM 604454.

Allele frequency attached by ClinVar (database versions not stated): TOPMed 0.00011; gnomAD 0.00013 and 0.00014; ESP Exome Variant Server 0.00015; 1000 Genomes Project 0.00020; 1000 Genomes Project 30x 0.00031.
gnomAD v4.1: 286 of 1,613,884 alleles (0.018%); highest among the groups gnomAD compares: Non-Finnish European, 0.023%; no homozygotes.

Submissions (3):

Labcorp Genetics (formerly Invitae), Labcorp
Classification: Uncertain significance for Welander distal myopathy. Last evaluated: 2026-02-01. Review status: criteria provided, single submitter. Criteria: Invitae Variant Classification Sherloc (09022015). Collection method: clinical testing. Allele origin: germline.
Comment: This sequence change replaces valine, which is neutral and non-polar, with methionine, which is neutral and non-polar, at codon 294 of the TIA1 protein (p.Val294Met). This variant is present in population databases (rs144296151, gnomAD 0.01%). This missense change has been observed in individual(s) with amyotrophic lateral sclerosis (ALS) (PMID: 28817800). ClinVar contains an entry for this variant (Variation ID: 575375). An algorithm developed to predict the effect of missense changes on protein structure and function (PolyPhen-2) suggests that this variant is likely to be tolerated. In summary, the available evidence is currently insufficient to determine the role of this variant in disease. Therefore, it has been classified as a Variant of Uncertain Significance.

Women's Health and Genetics/Laboratory Corporation of America, LabCorp
Classification: Uncertain significance. Last evaluated: 2025-09-11. Review status: criteria provided, single submitter. Criteria: LabCorp Variant Classification Summary - May 2015. Collection method: clinical testing. Allele origin: germline.
Comment: Variant summary: TIA1 c.880G>A (p.Val294Met) results in a conservative amino acid change in the encoded protein sequence. Algorithms developed to predict the effect of missense changes on protein structure and function are either unavailable or do not agree on the potential impact of this missense change. The variant allele was found at a frequency of 4e-05 in 251268 control chromosomes (gnomAD). This frequency is not significantly higher than estimated for disease-causing variants in TIA1, allowing no conclusion about variant significance. c.880G>A has been observed in at least one individual affected with TIA1-Related Disorders (Mackenzie_2017, Hirsch-Reinshagen_2017). These reports do not provide unequivocal conclusions about association of the variant with TIA1-Related Disorders. To our knowledge, no experimental evidence demonstrating an impact on protein function has been reported. The following publications have been ascertained in the context of this evaluation (PMID: 29216908, 28817800). ClinVar contains an entry for this variant (Variation ID: 575375). Based on the evidence outlined above, the variant was classified as uncertain significance.

GeneDx
Classification: Uncertain significance. Last evaluated: 2024-03-20. Review status: criteria provided, single submitter. Criteria: GeneDx Variant Classification Process June 2021. Collection method: clinical testing. Allele origin: germline. Affected: yes.
Comment: In silico analysis supports that this missense variant does not alter protein structure/function; This variant is associated with the following publications: (PMID: 29216908, 28817800)

Literature cited by the submitters: PubMed 28817800 (cited by Labcorp Genetics (formerly Invitae), Labcorp and Women's Health and Genetics/Laboratory Corporation of America, LabCorp); PubMed 29216908 (cited by Women's Health and Genetics/Laboratory Corporation of America, LabCorp).

NM_022173.4(TIA1):c.880G>A (p.Val294Met)

Gene: TIA1 (TIA1 cytotoxic granule associated RNA binding protein; minus strand). Cytogenetic location: 2p13.3.
Variant type: single nucleotide variant.
Coding change: c.880G>A on transcript NM_022173.4 (MANE Select); coding-DNA position 880, G replaced by A.
Protein change: p.Val294Met; replaces valine 294 with methionine.
Molecular consequence: missense variant. On other transcripts: non-coding transcript variant (17).
Genome position (GRCh38, 1-based): chr2:70,215,379, C>T on the plus strand (G>A on the coding strand, the complement: TIA1 is on the minus strand). VCF-style: chr2-70215379-C-T. GRCh37 (hg19) VCF-style: chr2-70442511-C-T.
Other names: c.880G>A, p.Val294Met (NM_001351508.2); c.853G>A, p.Val285Met (NM_001351509.2); c.847G>A, p.Val283Met (NM_001351510.2, NM_022037.4); c.769G>A, p.Val257Met (NM_001351511.1); c.742G>A, p.Val248Met (NM_001351512.1); c.736G>A, p.Val246Met (NM_001351513.1); c.652G>A, p.Val218Met (NM_001351514.2); c.577G>A, p.Val193Met (NM_001351515.2); and 1 more; short protein forms V294M, V154M, V193M, V218M, V257M, V248M, V283M, V285M.
Identifiers: ClinVar variation 575375 (VCV000575375.9), dbSNP rs144296151, ClinGen allele CA1697456.